The following is an entry in ClinVar:

ClinVar aggregate classification (germline): Uncertain significance (1 of 4 stars; one submission).

Conditions:
X-linked severe combined immunodeficiency (SCIDX1). Also called: IMMUNODEFICIENCY 4; SCID, X-LINKED; SEVERE COMBINED IMMUNODEFICIENCY, X-LINKED, T CELL-NEGATIVE, B CELL-POSITIVE, NK CELL-NEGATIVE; X-Linked Combined Immunodeficiency Diseases; T-B+ severe combined immunodeficiency due to gamma chain deficiency. Identifiers: Orphanet 276, MedGen C6022468, MONDO:0010315, OMIM 300400. Disease mechanism: loss of function.

gnomAD v4.1: 2 of 1,204,887 alleles (0.00017%); highest among the groups gnomAD compares: Middle Eastern, 0.046%; no homozygotes.

Submission:

Labcorp Genetics (formerly Invitae), Labcorp
Classification: Uncertain significance for X-linked severe combined immunodeficiency. Last evaluated: 2025-11-24. Review status: criteria provided, single submitter. Criteria: Invitae Variant Classification Sherloc (09022015). Collection method: clinical testing. Allele origin: germline.
Comment: This sequence change affects codon 324 of the IL2RG mRNA. It is a 'silent' change, meaning that it does not change the encoded amino acid sequence of the IL2RG protein. This variant is not present in population databases (gnomAD no frequency). This variant has not been reported in the literature in individuals affected with IL2RG-related conditions. Algorithms developed to predict the effect of sequence changes on RNA splicing suggest that this variant may disrupt the consensus splice site. In summary, the available evidence is currently insufficient to determine the role of this variant in disease. Therefore, it has been classified as a Variant of Uncertain Significance.

NM_000206.3(IL2RG):c.972C>T (p.Asp324=)

Gene: IL2RG (interleukin 2 receptor subunit gamma; minus strand). Cytogenetic location: Xq13.1.
Variant type: single nucleotide variant.
Coding change: c.972C>T on transcript NM_000206.3 (MANE Select); coding-DNA position 972, C replaced by T.
Protein change: p.Asp324=; no amino-acid change (aspartic acid 324 retained).
Molecular consequence: synonymous variant. On other transcripts: 3 prime UTR variant (1).
Genome position (GRCh38, 1-based): chrX:71,107,874, G>A on the plus strand (C>T on the coding strand, the complement: IL2RG is on the minus strand). VCF-style: chrX-71107874-G-A. GRCh37 (hg19) VCF-style: chrX-70327724-G-A.
Other names: c.*92C>T (NM_001438870.1).
Identifiers: ClinVar variation 4771801 (VCV004771801.1).